The following is an entry in ClinVar:

NM_001903.5(CTNNA1):c.605G>A (p.Gly202Asp)

Gene: CTNNA1 (catenin alpha 1; plus strand). Cytogenetic location: 5q31.2.
Variant type: single nucleotide variant.
Coding change: c.605G>A on transcript NM_001903.5 (MANE Select); coding-DNA position 605, G replaced by A.
Protein change: p.Gly202Asp; replaces glycine 202 with aspartic acid.
Molecular consequence: missense variant.
Genome position (GRCh38, 1-based): chr5:138,824,546, G>A. VCF-style: chr5-138824546-G-A. GRCh37 (hg19) VCF-style: chr5-138160235-G-A.
Other names: c.605G>A (NM_001903.2); c.605G>A, p.Gly202Asp (NM_001290307.3, NM_001323982.2, NM_001323983.1 and 3 more transcripts); c.296G>A, p.Gly99Asp (NM_001290309.3); c.236G>A, p.Gly79Asp (NM_001290310.3); short protein forms G202D, G79D, G99D.
Identifiers: ClinVar variation 1038500 (VCV001038500.9), dbSNP rs1760439365, ClinGen allele CA361129420.

ClinVar aggregate classification (germline): Uncertain significance. Review status: criteria provided, multiple submitters, no conflicts (2 of 4 stars). 2 submissions from 2 submitters: Uncertain significance (2). Last evaluated 2025-07-22.

Conditions:
Hereditary cancer-predisposing syndrome. Also called: Neoplastic Syndromes, Hereditary; Hereditary Cancer Syndrome; Tumor predisposition; Hereditary neoplastic syndrome. Identifiers: Orphanet 140162, MedGen C0027672, MeSH D009386, MONDO:0015356.

Submissions (2):

Ambry Genetics
Classification: Uncertain significance for Hereditary cancer-predisposing syndrome. Last evaluated: 2025-07-22. Review status: criteria provided, single submitter. Criteria: Ambry Variant Classification Scheme 2023. Collection method: clinical testing. Allele origin: germline.
Comment: The p.G202D variant (also known as c.605G>A), located in coding exon 5 of the CTNNA1 gene, results from a G to A substitution at nucleotide position 605. The glycine at codon 202 is replaced by aspartic acid, an amino acid with similar properties. This amino acid position is conserved. In addition, this alteration is predicted to be tolerated by in silico analysis. Based on the available evidence, the clinical significance of this variant remains unclear.

Labcorp Genetics (formerly Invitae), Labcorp
Classification: Uncertain significance. Last evaluated: 2020-11-24. Review status: criteria provided, single submitter. Criteria: Invitae Variant Classification Sherloc (09022015). Collection method: clinical testing. Allele origin: germline.
Comment: This sequence change replaces glycine with aspartic acid at codon 202 of the CTNNA1 protein (p.Gly202Asp). The glycine residue is moderately conserved and there is a moderate physicochemical difference between glycine and aspartic acid. This variant is not present in population databases (ExAC no frequency). This variant has not been reported in the literature in individuals with CTNNA1-related conditions. Algorithms developed to predict the effect of missense changes on protein structure and function (SIFT, PolyPhen-2, Align-GVGD) all suggest that this variant is likely to be tolerated, but these predictions have not been confirmed by published functional studies and their clinical significance is uncertain. In summary, the available evidence is currently insufficient to determine the role of this variant in disease. Therefore, it has been classified as a Variant of Uncertain Significance.